The following is an entry in ClinVar:

NM_053279.3(FAM167A):c.21C>T (p.His7=)

Gene: FAM167A (family with sequence similarity 167 member A). Cytogenetic location: 8p23.1.
Variant type: single nucleotide variant.
Coding change: c.21C>T on transcript NM_053279.3 (MANE Select); coding-DNA position 21, C replaced by T.
Protein change: p.His7=; no amino-acid change (histidine 7 retained).
Molecular consequence: synonymous variant.
Genome position (GRCh38, 1-based): chr8:11,444,391, G>A on the plus strand (C>T on the coding strand, the complement: FAM167A is on the minus strand). VCF-style: chr8-11444391-G-A. GRCh37 (hg19) VCF-style: chr8-11301900-G-A.
Identifiers: ClinVar variation 4822048 (VCV004822048.4).
Genomic context (GRCh38, chr8:11,444,391, plus strand): 5'-GAGGTGGTCATCGGGTGGTGCGGCTGCTCCCGCCCCCTCTTCTGCACCCACTTCTTCCAC[G>A]TGGATCTGGGGCACAGACATTCTACAGTCTGCCCTGGCAGCCGGACATGCGAGGGCACGG-3'
Protein context (NP_444509.2, residues 1-17): MSVPQI[His7=]VEEVGAEEGA

ClinVar aggregate classification (germline): Likely benign (1 of 4 stars; one submission).

gnomAD v4.1: 22 of 1,557,072 alleles (0.0014%); highest among the groups gnomAD compares: Admixed American, 0.0039%; no homozygotes.

Submission:

CeGaT Center for Human Genetics Tuebingen
Classification: Likely benign. Last evaluated: 2026-03-01. Review status: criteria provided, single submitter. Criteria: CeGaT Center For Human Genetics Tuebingen Variant Classification Criteria Version 2. Collection method: clinical testing. Allele origin: germline. Affected: yes. Observed: 1 variant allele.
Comment: FAM167A: BP4, BP7